The following is an entry in ClinVar:

ClinVar aggregate classification (germline): Likely benign (0 of 4 stars; one submission).

Conditions:
POMC-related disorder. Also called: POMC-related disorders; POMC-related condition.

gnomAD v4.1: 4 of 1,613,632 alleles (0.00025%); highest among the groups gnomAD compares: East Asian, 0.0022%; no homozygotes.

Submission:

PreventionGenetics, part of Exact Sciences
Classification: Likely benign for POMC-related condition. Last evaluated: 2022-11-23. Review status: no assertion criteria provided. Collection method: clinical testing. Allele origin: germline.
Comment: This variant is classified as likely benign based on ACMG/AMP sequence variant interpretation guidelines (Richards et al. 2015 PMID: 25741868, with internal and published modifications).

NM_000939.4(POMC):c.675C>T (p.His225=)

Gene: POMC (proopiomelanocortin; minus strand). Cytogenetic location: 2p23.3.
Variant type: single nucleotide variant.
Coding change: c.675C>T on transcript NM_000939.4 (MANE Select); coding-DNA position 675, C replaced by T.
Protein change: p.His225=; no amino-acid change (histidine 225 retained).
Molecular consequence: synonymous variant.
Genome position (GRCh38, 1-based): chr2:25,161,210, G>A on the plus strand (C>T on the coding strand, the complement: POMC is on the minus strand). VCF-style: chr2-25161210-G-A. GRCh37 (hg19) VCF-style: chr2-25384079-G-A.
Other names: c.675C>T, p.His225= (NM_001035256.3, NM_001319204.2, NM_001319205.2).
Identifiers: ClinVar variation 3357963 (VCV003357963.1).
Genomic context (GRCh38, chr2:25,161,210, plus strand): 5'-CTTCTCGGAGGTCATGAAACCGCCGTAGCGCTTGTCCTTGGGCGGGCTGCCCCAGCGGAA[G>A]TGCTCCATCCTGTAGGGGCCCTCGTCCTTCTTCTCGGCCGCCACCAGCAGGCTGTGCTCC-3'
Protein context (NP_000930.1, residues 215-235): KKDEGPYRME[His225=]FRWGSPPKDK